The following is an entry in ClinVar:

ClinVar aggregate classification (germline): Pathogenic/Likely pathogenic. Review status: criteria provided, multiple submitters, no conflicts (2 of 4 stars). 3 submissions from 3 submitters: Pathogenic (2); Likely pathogenic (1). Last evaluated 2023-07-17.

Conditions:
Hereditary cancer-predisposing syndrome. Also called: Hereditary neoplastic syndrome; Neoplastic Syndromes, Hereditary; Tumor predisposition; Hereditary Cancer Syndrome. Identifiers: Orphanet 140162, MedGen C0027672, MeSH D009386, MONDO:0015356.
Hereditary breast ovarian cancer syndrome. Also called: Hereditary breast and ovarian cancer syndrome (HBOC); BRCA1- and BRCA2-Associated Hereditary Breast and Ovarian Cancer; Hereditary breast and ovarian cancer syndrome; Breast and ovarian cancer; Hereditary breast and ovarian cancer; Hereditary breast and/or ovarian cancer syndrome. Identifiers: Orphanet 145, MedGen C0677776, MeSH D061325, MONDO:0003582. Disease mechanism: loss of function.
Familial cancer of breast. Also called: BREAST CANCER, FAMILIAL; hereditary breast carcinoma; Hereditary breast cancer. Identifiers: Orphanet 227535, MedGen C0346153, MONDO:0016419, OMIM 114480. Disease mechanism: loss of function.

Submissions (3):

Labcorp Genetics (formerly Invitae), Labcorp
Classification: Pathogenic for Hereditary breast ovarian cancer syndrome. Last evaluated: 2023-07-17. Review status: criteria provided, single submitter. Criteria: Invitae Variant Classification Sherloc (09022015). Collection method: clinical testing. Allele origin: germline.
Comment: For these reasons, this variant has been classified as Pathogenic. ClinVar contains an entry for this variant (Variation ID: 531410). This variant has not been reported in the literature in individuals affected with BRCA2-related conditions. This variant is not present in population databases (gnomAD no frequency). This sequence change creates a premature translational stop signal (p.Asn1312Lysfs*3) in the BRCA2 gene. It is expected to result in an absent or disrupted protein product. Loss-of-function variants in BRCA2 are known to be pathogenic (PMID: 20104584).

Baylor Genetics
Classification: Likely pathogenic for Familial cancer of breast. Last evaluated: 2022-06-08. Review status: criteria provided, single submitter. Criteria: ACMG Guidelines, 2015. Collection method: clinical testing. Allele origin: unknown.

Ambry Genetics
Classification: Pathogenic for Hereditary cancer-predisposing syndrome. Last evaluated: 2021-04-15. Review status: criteria provided, single submitter. Criteria: Ambry Variant Classification Scheme 2023. Collection method: clinical testing. Allele origin: germline.
Comment: The c.3933_3943del11 pathogenic mutation, located in coding exon 10 of the BRCA2 gene, results from a deletion of 11 nucleotides at nucleotide positions 3933 to 3943, causing a translational frameshift with a predicted alternate stop codon (p.N1312Kfs*3). This alteration is expected to result in loss of function by premature protein truncation or nonsense-mediated mRNA decay. As such, this alteration is interpreted as a disease-causing mutation.

Literature cited by the submitters: PubMed 20104584 (cited by Labcorp Genetics (formerly Invitae), Labcorp).

NM_000059.4(BRCA2):c.3933_3943del (p.Asn1312fs)

Gene: BRCA2 (BRCA2 DNA repair associated; plus strand). Cytogenetic location: 13q13.1.
Variant type: Deletion.
Coding change: c.3933_3943del on transcript NM_000059.4 (MANE Select); coding-DNA positions 3933 to 3943, 11 bases deleted (AAATTACAAGA).
Protein change: p.Asn1312fs; shifts the reading frame from asparagine 1312.
Molecular consequence: frameshift variant.
Genome position (GRCh38, 1-based): chr13:32,338,288-32,338,298, AAATTACAAGA deleted; deleting any 11 consecutive bases within chr13:32,338,286-32,338,298 gives the same sequence; the c. name uses the placement nearest the transcript's 3' end. VCF-style (leftmost placement, unchanged base first): chr13-32338285-TGAAAATTACAA-T. GRCh37 (hg19) VCF-style: chr13-32912422-TGAAAATTACAA-T.
Other names: c.3933_3943delAAATTACAAGA (NM_000059.3); short protein forms N1312fs.
Identifiers: ClinVar variation 531410 (VCV000531410.11), dbSNP rs1555283478, ClinGen allele CA658798134.
Genomic context (GRCh38, chr13:32,338,285, plus strand): 5'-CCAACTGATATTACAAAATAATATTGAAATGACTACTGGCACTTTTGTTGAAGAAATTAC[TGAAAATTACAA>T]GAGAAATACTGAAAATGAAGATAACAAATATACTGCTGCCAGTAGAAATTCTCATAACTT-3'